The following is an entry in ClinVar:

NM_172107.4(KCNQ2):c.2552C>A (p.Pro851His)

Gene: KCNQ2 (potassium voltage-gated channel subfamily Q member 2; minus strand). Cytogenetic location: 20q13.33.
Variant type: single nucleotide variant.
Coding change: c.2552C>A on transcript NM_172107.4 (MANE Select); coding-DNA position 2552, C replaced by A.
Protein change: p.Pro851His; replaces proline 851 with histidine.
Molecular consequence: missense variant.
Genome position (GRCh38, 1-based): chr20:63,406,711, G>T on the plus strand (C>A on the coding strand, the complement: KCNQ2 is on the minus strand). VCF-style: chr20-63406711-G-T. GRCh37 (hg19) VCF-style: chr20-62038064-G-T.
Other names: c.2606C>A, p.Pro869His (NM_001382235.1); c.2495C>A, p.Pro832His (NM_001439003.1); c.2465C>A, p.Pro822His (NM_001439004.1); c.2468C>A, p.Pro823His (NM_004518.6); c.2498C>A, p.Pro833His (NM_172106.3); c.2459C>A, p.Pro820His (NM_172108.5); short protein forms P832H, P851H, P820H, P822H, P823H, P833H, P869H.
Identifiers: ClinVar variation 4747407 (VCV004747407.1).

ClinVar aggregate classification (germline): Uncertain significance (1 of 4 stars; one submission).

Conditions:
Early-infantile DEE. Also called: Ohtahara syndrome; Early infantile epileptic encephalopathy with suppression bursts; Early infantile epileptic encephalopathy. Identifiers: Orphanet 1934, MedGen C0393706, MONDO:0800491.

Submission:

Labcorp Genetics (formerly Invitae), Labcorp
Classification: Uncertain significance for Early-infantile DEE. Last evaluated: 2025-12-09. Review status: criteria provided, single submitter. Criteria: Invitae Variant Classification Sherloc (09022015). Collection method: clinical testing. Allele origin: germline.
Comment: This sequence change replaces proline, which is neutral and non-polar, with histidine, which is basic and polar, at codon 851 of the KCNQ2 protein (p.Pro851His). This variant is not present in population databases (gnomAD no frequency). This variant has not been reported in the literature in individuals affected with KCNQ2-related conditions. Invitae Evidence Modeling of protein sequence and biophysical properties (such as structural, functional, and spatial information, amino acid conservation, physicochemical variation, residue mobility, and thermodynamic stability) indicates that this missense variant is not expected to disrupt KCNQ2 protein function with a negative predictive value of 95%. In summary, the available evidence is currently insufficient to determine the role of this variant in disease. Therefore, it has been classified as a Variant of Uncertain Significance.